The following is an entry in ClinVar:

NM_015375.3(DSTYK):c.1499A>G (p.Gln500Arg)

Gene: DSTYK (dual serine/threonine and tyrosine protein kinase; minus strand). Cytogenetic location: 1q32.1.
Variant type: single nucleotide variant.
Coding change: c.1499A>G on transcript NM_015375.3 (MANE Select); coding-DNA position 1499, A replaced by G.
Protein change: p.Gln500Arg; replaces glutamine 500 with arginine.
Molecular consequence: missense variant.
Genome position (GRCh38, 1-based): chr1:205,163,781, T>C on the plus strand (A>G on the coding strand, the complement: DSTYK is on the minus strand). VCF-style: chr1-205163781-T-C. GRCh37 (hg19) VCF-style: chr1-205132909-T-C.
Other names: c.1499A>G, p.Gln500Arg (NM_199462.3); short protein forms Q500R.
Identifiers: ClinVar variation 4728503 (VCV004728503.1).
Genomic context (GRCh38, chr1:205,163,781, plus strand): 5'-ACCTGTTTGAGATAATTACTGGTGATGTGAACTGAGACATCCTGAGACTTCTCCAGGCTC[T>C]GCAGACATCGTTCCAGGGTTCCGACGAAGCTTTCCCTCAGGTAATCCACTGAGCTGATCA-3'
Protein context (NP_056190.1, residues 490-510): SFVGTLERCL[Gln500Arg]SLEKSQDVSV

ClinVar aggregate classification (germline): Uncertain significance (1 of 4 stars; one submission).

Submission:

Labcorp Genetics (formerly Invitae), Labcorp
Classification: Uncertain significance. Last evaluated: 2025-10-05. Review status: criteria provided, single submitter. Criteria: Invitae Variant Classification Sherloc (09022015). Collection method: clinical testing. Allele origin: germline.
Comment: This sequence change replaces glutamine, which is neutral and polar, with arginine, which is basic and polar, at codon 500 of the DSTYK protein (p.Gln500Arg). This variant is not present in population databases (gnomAD no frequency). This variant has not been reported in the literature in individuals affected with DSTYK-related conditions. An algorithm developed to predict the effect of missense changes on protein structure and function (PolyPhen-2) suggests that this variant is likely to be tolerated. In summary, the available evidence is currently insufficient to determine the role of this variant in disease. Therefore, it has been classified as a Variant of Uncertain Significance.